The following is an entry in ClinVar:

NM_014855.3(AP5Z1):c.553C>T (p.Arg185Cys)

Gene: AP5Z1 (adaptor related protein complex 5 subunit zeta 1; plus strand). Cytogenetic location: 7p22.1.
Variant type: single nucleotide variant.
Coding change: c.553C>T on transcript NM_014855.3 (MANE Select); coding-DNA position 553, C replaced by T.
Protein change: p.Arg185Cys; replaces arginine 185 with cysteine.
Molecular consequence: missense variant. On other transcripts: non-coding transcript variant (1).
Genome position (GRCh38, 1-based): chr7:4,783,730, C>T. VCF-style: chr7-4783730-C-T. GRCh37 (hg19) VCF-style: chr7-4823361-C-T.
Other names: c.85C>T, p.Arg29Cys (NM_001364858.1); short protein forms R185C, R29C.
Identifiers: ClinVar variation 2684361 (VCV002684361.1), dbSNP rs765864595, ClinGen allele CA4137264.

ClinVar aggregate classification (germline): Uncertain significance (1 of 4 stars; one submission).

Allele frequency attached by ClinVar (database versions not stated): gnomAD exomes 0.00002; ExAC 0.00006.

Submission:

Athena Diagnostics
Classification: Uncertain significance. Last evaluated: 2023-06-21. Review status: criteria provided, single submitter. Criteria: Athena Diagnostics Criteria. Collection method: clinical testing. Allele origin: unknown.
Comment: Available data are insufficient to determine the clinical significance of the variant at this time. The frequency of this variant in the general population is uninformative in assessment of its pathogenicity. Computational tools disagree on the variant's effect on normal protein function.